The following is an entry in ClinVar:

NM_006343.3(MERTK):c.2845G>A (p.Val949Ile)

Gene: MERTK (MER proto-oncogene, tyrosine kinase; plus strand). Cytogenetic location: 2q13.
Variant type: single nucleotide variant.
Coding change: c.2845G>A on transcript NM_006343.3 (MANE Select); coding-DNA position 2845, G replaced by A.
Protein change: p.Val949Ile; replaces valine 949 with isoleucine.
Molecular consequence: missense variant.
Genome position (GRCh38, 1-based): chr2:112,028,709, G>A. VCF-style: chr2-112028709-G-A. GRCh37 (hg19) VCF-style: chr2-112786286-G-A.
Other names: short protein forms V949I.
Identifiers: ClinVar variation 3731503 (VCV003731503.1).

ClinVar aggregate classification (germline): Uncertain significance (1 of 4 stars; one submission).

Conditions:
Retinitis pigmentosa 38 (RP38). Also called: ROD-CONE DYSTROPHY, CHILDHOOD-ONSET. Identifiers: Orphanet 791, MedGen C3151228, MONDO:0013469, OMIM 613862.

Submission:

Neuberg Centre For Genomic Medicine, NCGM
Classification: Uncertain significance for Retinitis pigmentosa 38. Last evaluated: 2023-06-22. Review status: criteria provided, single submitter. Criteria: ACMG Guidelines, 2015. Collection method: clinical testing. Allele origin: germline. Inheritance: Autosomal recessive inheritance. Affected: yes.
Comment: The observed missense variant c.2845G>A(p.Val949Ile) in the MERTK gene has not been reported previously as a pathogenic variant nor as a benign variant, to our knowledge. This variant is absent in the gnomAD Exomes. The amino acid Val at position 949 is changed to a Ile changing protein sequence and it might alter its composition and physico-chemical properties. Multiple lines of computational evidence (Polyphen - Benign, SIFT - Tolerated and MutationTaster - Polymorphism) predict no damaging effect on protein structure and function for this variant. The residue is conserved by GERP++ and PhyloP across 100 vertebrates. For these reasons, this variant has been classified as Uncertain Significance. In the absence of another reportable variant, the molecular diagnosis is not confirmed.